The following is an entry in ClinVar:

NM_000350.3(ABCA4):c.3213G>A (p.Ser1071=)

Gene: ABCA4 (ATP binding cassette subfamily A member 4; minus strand). Cytogenetic location: 1p22.1.
Variant type: single nucleotide variant.
Coding change: c.3213G>A on transcript NM_000350.3 (MANE Select); coding-DNA position 3213, G replaced by A.
Protein change: p.Ser1071=; no amino-acid change (serine 1071 retained).
Molecular consequence: synonymous variant.
Genome position (GRCh38, 1-based): chr1:94,042,876, C>T on the plus strand (G>A on the coding strand, the complement: ABCA4 is on the minus strand). VCF-style: chr1-94042876-C-T. GRCh37 (hg19) VCF-style: chr1-94508432-C-T.
Other names: c.2991G>A, p.Ser997= (NM_001425324.1).
Identifiers: ClinVar variation 255920 (VCV000255920.39), dbSNP rs141233353, ClinGen allele CA958003.

ClinVar aggregate classification (germline): Benign/Likely benign. Review status: criteria provided, multiple submitters, no conflicts (2 of 4 stars). 6 submissions from 6 submitters: Benign (1); Likely benign (3). 2 of the submissions do not count toward it. Last evaluated 2026-02-04.

Allele frequency attached by ClinVar (database versions not stated): gnomAD 0.00016 and 0.00017; TOPMed 0.00017; ESP Exome Variant Server 0.00023; 1000 Genomes Project 30x 0.00078; 1000 Genomes Project 0.00080.
gnomAD v4.1: 170 of 1,614,188 alleles (0.011%); highest among the groups gnomAD compares: East Asian, 0.082%; no homozygotes.

Submissions (6):

Labcorp Genetics (formerly Invitae), Labcorp
Classification: Benign. Last evaluated: 2026-02-04. Review status: criteria provided, single submitter. Criteria: Invitae Variant Classification Sherloc (09022015). Collection method: clinical testing. Allele origin: germline.

Blueprint Genetics
Classification: Likely benign. Last evaluated: 2024-06-20. Review status: criteria provided, single submitter. Criteria: ACMG Guidelines, 2015. Collection method: clinical testing. Allele origin: germline.

CeGaT Center for Human Genetics Tuebingen
Classification: Likely benign. Last evaluated: 2022-11-01. Review status: criteria provided, single submitter. Criteria: CeGaT Center For Human Genetics Tuebingen Variant Classification Criteria Version 2. Collection method: clinical testing. Allele origin: germline. Affected: yes. Observed: 1 variant allele.
Comment: ABCA4: BP4, BP7

PreventionGenetics, part of Exact Sciences
Classification: Likely benign. Review status: criteria provided, single submitter. Criteria: ACMG Guidelines, 2015. Collection method: clinical testing. Allele origin: germline.

Clinical Genetics, Academic Medical Center
Classification: Likely benign. Review status: no assertion criteria provided. Collection method: clinical testing. Allele origin: germline. Affected: yes. Study: VKGL Data-share Consensus. Not counted in ClinVar's aggregate classification.

Joint Genome Diagnostic Labs from Nijmegen and Maastricht, Radboudumc and MUMC+
Classification: Likely benign. Review status: no assertion criteria provided. Collection method: clinical testing. Allele origin: germline. Affected: yes. Study: VKGL Data-share Consensus. Not counted in ClinVar's aggregate classification.